The following is an entry in ClinVar:

NM_000179.3(MSH6):c.2064del (p.Phe689fs)

Gene: MSH6 (mutS homolog 6; plus strand). Cytogenetic location: 2p16.3.
Variant type: Deletion.
Coding change: c.2064del on transcript NM_000179.3 (MANE Select); coding-DNA position 2064, one base deleted (C; older notation c.2064delC).
Protein change: p.Phe689fs; shifts the reading frame from phenylalanine 689.
Molecular consequence: frameshift variant. On other transcripts: non-coding transcript variant (5), intron variant (2).
Genome position (GRCh38, 1-based): chr2:47,800,047, C deleted. VCF-style (leftmost placement, unchanged base first): chr2-47800046-TC-T. GRCh37 (hg19) VCF-style: chr2-48027185-TC-T.
Other names: c.1674del, p.Phe559fs (NM_001281492.2); c.1158del, p.Phe387fs (NM_001281493.2, NM_001281494.2, NM_001406811.1 and 6 more transcripts); c.2160del, p.Phe721fs (NM_001406795.1, NM_001406802.1); c.2064del, p.Phe689fs (NM_001406796.1, NM_001406798.1, NM_001406800.1 and 3 more transcripts); c.1767del, p.Phe590fs (NM_001406797.1, NM_001406801.1, NM_001406805.1 and 10 more transcripts); c.1539del, p.Phe514fs (NM_001406799.1, NM_001406806.1, NM_001406807.1); c.1986del, p.Phe663fs (NM_001406804.1); c.2070del, p.Phe691fs (NM_001406813.1); and 3 more; short protein forms F387fs, F514fs, F559fs, F590fs, F633fs, F663fs, F689fs, F691fs.
Identifiers: ClinVar variation 3230521 (VCV003230521.1), dbSNP rs2530648288, ClinGen allele CA2825001107.

ClinVar aggregate classification (germline): Pathogenic (1 of 4 stars; one submission).

Conditions:
Hereditary cancer-predisposing syndrome. Also called: Neoplastic Syndromes, Hereditary; Tumor predisposition; Hereditary neoplastic syndrome; Hereditary Cancer Syndrome. Identifiers: Orphanet 140162, MedGen C0027672, MeSH D009386, MONDO:0015356.

Submission:

Ambry Genetics
Classification: Pathogenic for Hereditary cancer-predisposing syndrome. Last evaluated: 2024-02-22. Review status: criteria provided, single submitter. Criteria: Ambry Variant Classification Scheme 2023. Collection method: clinical testing. Allele origin: germline.
Comment: The c.2064delC pathogenic mutation, located in coding exon 4 of the MSH6 gene, results from a deletion of one nucleotide at nucleotide position 2064, causing a translational frameshift with a predicted alternate stop codon (p.F689Sfs*47). This variant is considered to be rare based on population cohorts in the Genome Aggregation Database (gnomAD). This alteration is expected to result in loss of function by premature protein truncation or nonsense-mediated mRNA decay. As such, this alteration is interpreted as a disease-causing mutation.